The following is an entry in ClinVar:

NM_007294.4(BRCA1):c.343C>A (p.Pro115Thr)

Gene: BRCA1 (BRCA1 DNA repair associated; minus strand). Cytogenetic location: 17q21.31.
Variant type: single nucleotide variant.
Coding change: c.343C>A on transcript NM_007294.4 (MANE Select); coding-DNA position 343, C replaced by A.
Protein change: p.Pro115Thr; replaces proline 115 with threonine.
Molecular consequence: missense variant. On other transcripts: non-coding transcript variant (1).
Genome position (GRCh38, 1-based): chr17:43,104,220, G>T on the plus strand (C>A on the coding strand, the complement: BRCA1 is on the minus strand). VCF-style: chr17-43104220-G-T. GRCh37 (hg19) VCF-style: chr17-41256237-G-T.
Other names: c.202C>A, p.Pro68Thr (NM_001408498.1, NM_001408504.1, NM_001408500.1 and 99 more transcripts); c.343C>A, p.Pro115Thr (NM_001407861.1, NM_001407863.1, NM_001407968.1 and 165 more transcripts); c.265C>A, p.Pro89Thr (NM_001407874.1, NM_001407875.1, NM_001407862.1 and 21 more transcripts); c.133C>A, p.Pro45Thr (NM_001407879.1, NM_001408506.1, NM_001408507.1 and 58 more transcripts); c.-39C>A (NM_001407959.1, NM_001407960.1, NM_001407962.1 and 4 more transcripts); c.334C>A, p.Pro112Thr (NM_001408408.1, NM_001407646.1, NM_001407647.1); c.211C>A, p.Pro71Thr (NM_001408451.1); short protein forms P115T, P68T, P89T, P112T, P71T, P45T.
Identifiers: ClinVar variation 462611 (VCV000462611.14), dbSNP rs1468589409, ClinGen allele CA10601461.

ClinVar aggregate classification (germline): Uncertain significance. Review status: criteria provided, multiple submitters, no conflicts (2 of 4 stars). 2 submissions from 2 submitters: Uncertain significance (2). Last evaluated 2025-10-29.

Conditions:
Hereditary breast ovarian cancer syndrome. Also called: Hereditary breast and ovarian cancer syndrome (HBOC); Hereditary breast and ovarian cancer syndrome; Breast and ovarian cancer; Hereditary breast and/or ovarian cancer syndrome; Hereditary breast and ovarian cancer; BRCA1- and BRCA2-Associated Hereditary Breast and Ovarian Cancer. Identifiers: Orphanet 145, MedGen C0677776, MeSH D061325, MONDO:0003582. Disease mechanism: loss of function.
Hereditary cancer-predisposing syndrome. Also called: Neoplastic Syndromes, Hereditary; Hereditary Cancer Syndrome; Hereditary neoplastic syndrome; Tumor predisposition. Identifiers: Orphanet 140162, MedGen C0027672, MeSH D009386, MONDO:0015356.

Allele frequency attached by ClinVar (database versions not stated): gnomAD exomes below 0.00001; TOPMed below 0.00001.
gnomAD v4.1: 1 of 1,612,960 alleles (0.000062%); highest among the groups gnomAD compares: Non-Finnish European, 0.000085%; no homozygotes.

Submissions (2):

Labcorp Genetics (formerly Invitae), Labcorp
Classification: Uncertain significance for Hereditary breast ovarian cancer syndrome. Last evaluated: 2025-10-29. Review status: criteria provided, single submitter. Criteria: Invitae Variant Classification Sherloc (09022015). Collection method: clinical testing. Allele origin: germline.
Comment: This sequence change replaces proline, which is neutral and non-polar, with threonine, which is neutral and polar, at codon 115 of the BRCA1 protein (p.Pro115Thr). This variant is present in population databases (no rsID available, gnomAD 0.0009%). This variant has not been reported in the literature in individuals affected with BRCA1-related conditions. ClinVar contains an entry for this variant (Variation ID: 462611). Invitae Evidence Modeling of protein sequence and biophysical properties (such as structural, functional, and spatial information, amino acid conservation, physicochemical variation, residue mobility, and thermodynamic stability) indicates that this missense variant is not expected to disrupt BRCA1 protein function with a negative predictive value of 80%. In summary, the available evidence is currently insufficient to determine the role of this variant in disease. Therefore, it has been classified as a Variant of Uncertain Significance.

Ambry Genetics
Classification: Uncertain significance for Hereditary cancer-predisposing syndrome. Last evaluated: 2024-12-30. Review status: criteria provided, single submitter. Criteria: Ambry Variant Classification Scheme 2023. Collection method: clinical testing. Allele origin: germline.
Comment: The p.P115T variant (also known as c.343C>A), located in coding exon 5 of the BRCA1 gene, results from a C to A substitution at nucleotide position 343. The proline at codon 115 is replaced by threonine, an amino acid with highly similar properties. This variant was detected in 1/208 Slovenian individuals with breast or ovarian cancer (Stegel V et al. BMC Med. Genet., 2011 Jan;12:9). This amino acid position is not well conserved in available vertebrate species. In addition, this alteration is predicted to be deleterious by in silico analysis. Based on the available evidence, the clinical significance of this variant remains unclear.

Literature cited by the submitters: PubMed 21232165 (cited by Ambry Genetics).